The following is an entry in ClinVar:

NM_004655.4(AXIN2):c.1634_1652del (p.Gly545fs)

Gene: AXIN2 (axin 2; minus strand). Cytogenetic location: 17q24.1.
Variant type: Deletion.
Coding change: c.1634_1652del on transcript NM_004655.4 (MANE Select); coding-DNA positions 1634 to 1652, 19 bases deleted (GGGGCAGCGAGTATTACTG).
Protein change: p.Gly545fs; shifts the reading frame from glycine 545.
Molecular consequence: frameshift variant.
Genome position (GRCh38, 1-based): chr17:65,537,384-65,537,402, CAGTAATACTCGCTGCCCC deleted on the plus strand (GGGGCAGCGAGTATTACTG on the coding strand, the reverse complement: AXIN2 is on the minus strand); deleting any 19 consecutive bases within chr17:65,537,384-65,537,405 gives the same sequence; the c. name uses the placement nearest the transcript's 3' end. VCF-style (leftmost placement, unchanged base first): chr17-65537383-GCAGTAATACTCGCTGCCCC-G. GRCh37 (hg19) VCF-style: chr17-63533501-GCAGTAATACTCGCTGCCCC-G.
Other names: c.1634_1652del, p.Gly545fs (NM_001363813.1); short protein forms G545fs.
Identifiers: ClinVar variation 3648842 (VCV003648842.2).
Genomic context (GRCh38, chr17:65,537,383, plus strand): 5'-CCCAAACTGCTCGCTGGGCATGGTTTCCGGAGCCTTGGAGTGGCTTTTGCATTTCGAGTA[GCAGTAATACTCGCTGCCCC>G]CAGGGCAGAAGCAGTGCACCCGCTGCGTGGCCTCCGCCTCGATCTCCTCCTTGGTCTTGG-3'

ClinVar aggregate classification (germline): Pathogenic (1 of 4 stars; one submission).

Conditions:
Oligodontia-cancer predisposition syndrome. Also called: TOOTH AGENESIS-COLORECTAL CANCER SYNDROME. Identifiers: Orphanet 300576, MedGen C1837750, MONDO:0012075, OMIM 608615. Disease mechanism: loss of function.

Submission:

Labcorp Genetics (formerly Invitae), Labcorp
Classification: Pathogenic for Oligodontia-cancer predisposition syndrome. Last evaluated: 2024-04-05. Review status: criteria provided, single submitter. Criteria: Invitae Variant Classification Sherloc (09022015). Collection method: clinical testing. Allele origin: germline.
Comment: This sequence change creates a premature translational stop signal (p.Gly545Alafs*138) in the AXIN2 gene. It is expected to result in an absent or disrupted protein product. Loss-of-function variants in AXIN2 are known to be pathogenic (PMID: 15042511, 21416598). This variant is not present in population databases (gnomAD no frequency). This variant has not been reported in the literature in individuals affected with AXIN2-related conditions. For these reasons, this variant has been classified as Pathogenic.

Literature cited by the submitters: PubMed 15042511; PubMed 21416598.